The following is an entry in ClinVar:

NM_002734.5(PRKAR1A):c.421C>T (p.Leu141Phe)

Gene: PRKAR1A (protein kinase cAMP-dependent type I regulatory subunit alpha; plus strand). Cytogenetic location: 17q24.2.
Variant type: single nucleotide variant.
Coding change: c.421C>T on transcript NM_002734.5 (MANE Select); coding-DNA position 421, C replaced by T.
Protein change: p.Leu141Phe; replaces leucine 141 with phenylalanine.
Molecular consequence: missense variant.
Genome position (GRCh38, 1-based): chr17:68,523,797, C>T. VCF-style: chr17-68523797-C-T. GRCh37 (hg19) VCF-style: chr17-66519938-C-T.
Other names: c.421C>T, p.Leu141Phe (NM_001276289.2, NM_001276290.1, NM_001278433.2 and 4 more transcripts); short protein forms L141F.
Identifiers: ClinVar variation 4674304 (VCV004674304.2).

ClinVar aggregate classification (germline): Uncertain significance (1 of 4 stars; one submission).

Conditions:
Hereditary cancer-predisposing syndrome. Also called: Hereditary Cancer Syndrome; Hereditary neoplastic syndrome; Neoplastic Syndromes, Hereditary; Tumor predisposition. Identifiers: Orphanet 140162, MedGen C0027672, MeSH D009386, MONDO:0015356.

Submission:

Ambry Genetics
Classification: Uncertain significance for Hereditary cancer-predisposing syndrome. Last evaluated: 2026-07-07. Review status: criteria provided, single submitter. Criteria: Ambry Variant Classification Scheme 2023. Collection method: clinical testing. Allele origin: germline.
Comment: The p.L141F variant (also known as c.421C>T), located in coding exon 3 of the PRKAR1A gene, results from a C to T substitution at nucleotide position 421. The leucine at codon 141 is replaced by phenylalanine, an amino acid with highly similar properties. This amino acid position is conserved. In addition, this alteration is predicted to be deleterious by in silico analysis. Based on the available evidence, the clinical significance of this variant remains unclear.